The following is an entry in ClinVar:

NM_001042492.3(NF1):c.7188del (p.Tyr2398fs)

Gene: NF1 (neurofibromin 1; plus strand). Cytogenetic location: 17q11.2.
Variant type: Deletion.
Coding change: c.7188del on transcript NM_001042492.3 (MANE Select); coding-DNA position 7188, one base deleted (A; older notation c.7188delA).
Protein change: p.Tyr2398fs; shifts the reading frame from tyrosine 2398.
Molecular consequence: frameshift variant.
Genome position (GRCh38, 1-based): chr17:31,343,134, A deleted; the last of 4 consecutive A bases (chr17:31,343,131-31,343,134); deleting any one gives the same sequence. VCF-style (leftmost placement, unchanged base first): chr17-31343130-TA-T. GRCh37 (hg19) VCF-style: chr17-29670148-TA-T.
Other names: c.7125delA (NM_000267.3); c.7125delA, p.Tyr2377Thrfs (NM_000267.4); short protein forms Y2398fs, Y2377fs.
Identifiers: ClinVar variation 580631 (VCV000580631.12), dbSNP rs777872719, ClinGen allele CA8487506.

ClinVar aggregate classification (germline): Pathogenic. Review status: criteria provided, multiple submitters, no conflicts (2 of 4 stars). 4 submissions from 4 submitters: Pathogenic (4). Last evaluated 2026-09-06.

Conditions:
NF1-related disorder. Also called: NF1-related condition. Identifiers: MedGen CN379171.
Hereditary cancer-predisposing syndrome. Also called: Neoplastic Syndromes, Hereditary; Tumor predisposition; Hereditary Cancer Syndrome; Hereditary neoplastic syndrome. Identifiers: Orphanet 140162, MedGen C0027672, MeSH D009386, MONDO:0015356.
Cardiovascular phenotype. Identifiers: MedGen CN230736.
Neurofibromatosis, type 1 (NF1). Also called: Peripheral type neurofibromatosis; Neurofibromatosis, type I; NEUROFIBROMATOSIS, TYPE I, SOMATIC; VON RECKLINGHAUSEN DISEASE. Identifiers: Orphanet 636, MedGen C0027831, MONDO:0018975, OMIM 162200. Disease mechanism: loss of function.

Submissions (4):

PreventionGenetics, part of Exact Sciences
Classification: Pathogenic for NF1-related condition. Last evaluated: 2026-09-06. Review status: criteria provided, single submitter. Criteria: ACMG Guidelines, 2015. Collection method: clinical testing. Allele origin: germline.
Comment: The NF1 c.7188delA variant is predicted to result in a frameshift and premature protein termination (p.Tyr2398Thrfs*20). This variant, also referred as c.7125del (p.Tyr2377Thrfs*20) in alternate transcript NM_000267, has been reported in multiple individuals with neurofibromatosis type 1 (see examples: Xu et al. 2014. PubMed ID: 24789688; Giugliano et al. 2019. PubMed ID: 31370276). This variant has not been reported in a large population database, indicating this variant is rare. Frameshift variants in NF1 are expected to be pathogenic and the c.7188del (p.Tyr2398Thrfs*20) has been consistently interpreted as pathogenic by other laboratories in the ClinVar database (ClinVar ID: 580631). This variant is interpreted as pathogenic.

Labcorp Genetics (formerly Invitae), Labcorp
Classification: Pathogenic for Neurofibromatosis, type 1. Last evaluated: 2023-06-09. Review status: criteria provided, single submitter. Criteria: Invitae Variant Classification Sherloc (09022015). Collection method: clinical testing. Allele origin: germline.
Comment: This variant is not present in population databases (gnomAD no frequency). This premature translational stop signal has been observed in individual(s) with neurofibromatosis type 1 (PMID: 21520333, 24789688, 29566708, 29685074). In at least one individual the variant was observed to be de novo. This variant is also known as c.7188del (p.Tyr2398Thrfs*20). ClinVar contains an entry for this variant (Variation ID: 580631). For these reasons, this variant has been classified as Pathogenic. This sequence change creates a premature translational stop signal (p.Tyr2377Thrfs*20) in the NF1 gene. It is expected to result in an absent or disrupted protein product. Loss-of-function variants in NF1 are known to be pathogenic (PMID: 10712197, 23913538).

GeneDx
Classification: Pathogenic. Last evaluated: 2023-01-25. Review status: criteria provided, single submitter. Criteria: GeneDx Variant Classification Process June 2021. Collection method: clinical testing. Allele origin: germline. Affected: yes.
Comment: Frameshift variant predicted to result in protein truncation or nonsense mediated decay in a gene for which loss of function is a known mechanism of disease; Not observed at significant frequency in large population cohorts (gnomAD); Also known as c.7188del p.(Y2398Tfs*20); This variant is associated with the following publications: (PMID: 24789688, 31730495, 29685074, 31370276, 29566708)

Ambry Genetics
Classification: Pathogenic for Cardiovascular phenotype; Hereditary cancer-predisposing syndrome. Last evaluated: 2022-06-29. Review status: criteria provided, single submitter. Criteria: Ambry Variant Classification Scheme 2023. Collection method: clinical testing. Allele origin: germline.
Comment: The c.7125delA pathogenic mutation, located in coding exon 47 of the NF1 gene, results from a deletion of one nucleotide at nucleotide position 7125, causing a translational frameshift with a predicted alternate stop codon (p.Y2377Tfs*20). This alteration has been reported in multiple individuals with confirmed or suspected neurofibromatosis type 1 (Xu W et al. Int J Mol Med, 2014 Jul;34:53-60; Santoro C et al. Ital J Pediatr, 2018 Mar;44:41; Assunto A et al. Orphanet J Rare Dis, 2019 11;14:261; Giugliano T et al. Genes (Basel), 2019 07;10:). In addition to the clinical data presented in the literature, this alteration is expected to result in loss of function by premature protein truncation or nonsense-mediated mRNA decay. As such, this alteration is interpreted as a disease-causing mutation.

Literature cited by the submitters: PubMed 21520333 (cited by Labcorp Genetics (formerly Invitae), Labcorp); PubMed 24789688 (cited by Labcorp Genetics (formerly Invitae), Labcorp); PubMed 29566708 (cited by Labcorp Genetics (formerly Invitae), Labcorp); PubMed 29685074 (cited by Labcorp Genetics (formerly Invitae), Labcorp); PubMed 10712197 (cited by Labcorp Genetics (formerly Invitae), Labcorp); PubMed 23913538 (cited by Labcorp Genetics (formerly Invitae), Labcorp).